The following is an entry in ClinVar:

NM_030665.4(RAI1):c.4442C>T (p.Ala1481Val)

Gene: RAI1 (retinoic acid induced 1; plus strand). Cytogenetic location: 17p11.2.
Variant type: single nucleotide variant.
Coding change: c.4442C>T on transcript NM_030665.4 (MANE Select); coding-DNA position 4442, C replaced by T.
Protein change: p.Ala1481Val; replaces alanine 1481 with valine.
Molecular consequence: missense variant.
Genome position (GRCh38, 1-based): chr17:17,797,390, C>T. VCF-style: chr17-17797390-C-T. GRCh37 (hg19) VCF-style: chr17-17700704-C-T.
Other names: short protein forms A1481V.
Identifiers: ClinVar variation 5000230 (VCV005000230.1).
Genomic context (GRCh38, chr17:17,797,390, plus strand): 5'-GCCCGCTGGAGAAGCGGCCCTATCTTGGCCCGGCTCTGCTCCTGACTCCCCGAGACAGGG[C>T]CAGTGGCACACAAGGGGCCAGTGAGGACAACTCTGGTGGAGGAGGCAAGAAGCCAAAGAT-3'
Protein context (NP_109590.3, residues 1471-1491): PALLLTPRDR[Ala1481Val]SGTQGASEDN

ClinVar aggregate classification (germline): Uncertain significance (1 of 4 stars; one submission).

Conditions:
RAI1-related disorder. Also called: RAI1-related condition.

Submission:

PreventionGenetics, part of Exact Sciences
Classification: Uncertain significance for RAI1-related condition. Last evaluated: 2024-12-24. Review status: criteria provided, single submitter. Criteria: ACMG Guidelines, 2015. Collection method: clinical testing. Allele origin: germline.
Comment: The RAI1 c.4442C>T variant is predicted to result in the amino acid substitution p.Ala1481Val. To our knowledge, this variant has not been reported in the literature or in a large population database (gnomAD), indicating this variant is rare. At this time, the clinical significance of this variant is uncertain due to the absence of conclusive functional and genetic evidence.